The following is an entry in ClinVar:

NM_014989.7(RIMS1):c.776C>T (p.Ala259Val)

Gene: RIMS1 (regulating synaptic membrane exocytosis 1; plus strand). Cytogenetic location: 6q13.
Variant type: single nucleotide variant.
Coding change: c.776C>T on transcript NM_014989.7 (MANE Select); coding-DNA position 776, C replaced by T.
Protein change: p.Ala259Val; replaces alanine 259 with valine.
Molecular consequence: missense variant.
Genome position (GRCh38, 1-based): chr6:72,179,879, C>T. VCF-style: chr6-72179879-C-T. GRCh37 (hg19) VCF-style: chr6-72889582-C-T.
Other names: short protein forms A259V.
Identifiers: ClinVar variation 3683370 (VCV003683370.2).

ClinVar aggregate classification (germline): Uncertain significance (1 of 4 stars; one submission).

gnomAD v4.1: 8 of 1,573,462 alleles (0.00051%); highest among the groups gnomAD compares: South Asian, 0.0095%; no homozygotes.

Submission:

Labcorp Genetics (formerly Invitae), Labcorp
Classification: Uncertain significance. Last evaluated: 2024-05-02. Review status: criteria provided, single submitter. Criteria: Invitae Variant Classification Sherloc (09022015). Collection method: clinical testing. Allele origin: germline.
Comment: This sequence change replaces alanine, which is neutral and non-polar, with valine, which is neutral and non-polar, at codon 259 of the RIMS1 protein (p.Ala259Val). This variant is present in population databases (rs777594380, gnomAD 0.009%). This variant has not been reported in the literature in individuals affected with RIMS1-related conditions. Algorithms developed to predict the effect of missense changes on protein structure and function output the following: SIFT: "Not Available"; PolyPhen-2: "Benign"; Align-GVGD: "Not Available". The valine amino acid residue is found in multiple mammalian species, which suggests that this missense change does not adversely affect protein function. In summary, the available evidence is currently insufficient to determine the role of this variant in disease. Therefore, it has been classified as a Variant of Uncertain Significance.